The following is an entry in ClinVar:

NM_000719.7(CACNA1C):c.662C>G (p.Ala221Gly)

Gene: CACNA1C (calcium voltage-gated channel subunit alpha1 C; plus strand). Cytogenetic location: 12p13.33.
Variant type: single nucleotide variant.
Coding change: c.662C>G on transcript NM_000719.7 (MANE Select); coding-DNA position 662, C replaced by G.
Protein change: p.Ala221Gly; replaces alanine 221 with glycine.
Molecular consequence: missense variant.
Genome position (GRCh38, 1-based): chr12:2,457,611, C>G. VCF-style: chr12-2457611-C-G. GRCh37 (hg19) VCF-style: chr12-2566777-C-G.
Other names: c.662C>G, p.Ala221Gly (NM_001129827.2, NM_001129829.2, NM_001129830.3 and 19 more transcripts); short protein forms A221G.
Identifiers: ClinVar variation 1518790 (VCV001518790.6), dbSNP rs2099443661, ClinGen allele CA383367720.

ClinVar aggregate classification (germline): Uncertain significance (1 of 4 stars; one submission).

Conditions:
Long QT syndrome (LQTS). Identifiers: MedGen C0023976, MeSH D008133, MONDO:0002442. Disease mechanism: loss of function. Inheritance: Various modes of inheritance.

Allele frequency attached by ClinVar (database versions not stated): TOPMed below 0.00001; gnomAD 0.00001.
gnomAD v4.1: 1 of 1,613,216 alleles (0.000062%); highest among the groups gnomAD compares: Non-Finnish European, 0.000085%; no homozygotes.

Submission:

Labcorp Genetics (formerly Invitae), Labcorp
Classification: Uncertain significance for Long QT syndrome. Last evaluated: 2021-09-24. Review status: criteria provided, single submitter. Criteria: Invitae Variant Classification Sherloc (09022015). Collection method: clinical testing. Allele origin: germline.
Comment: In summary, the available evidence is currently insufficient to determine the role of this variant in disease. Therefore, it has been classified as a Variant of Uncertain Significance. Algorithms developed to predict the effect of missense changes on protein structure and function (SIFT, PolyPhen-2, Align-GVGD) all suggest that this variant is likely to be tolerated. This missense change has been observed in individual(s) with clinical features of long QT syndrome (LQTS) (Invitae). This variant is not present in population databases (ExAC no frequency). This sequence change replaces alanine with glycine at codon 221 of the CACNA1C protein (p.Ala221Gly). The alanine residue is weakly conserved and there is a small physicochemical difference between alanine and glycine.